The following is an entry in ClinVar:

NM_183357.3(ADCY5):c.2560-3C>A

Gene: ADCY5 (adenylate cyclase 5; minus strand). Cytogenetic location: 3q21.1.
Variant type: single nucleotide variant.
Coding change: c.2560-3C>A on transcript NM_183357.3 (MANE Select); 3 bases into the intron before coding-DNA position 2560, C replaced by A.
Molecular consequence: intron variant.
Genome position (GRCh38, 1-based): chr3:123,303,222, G>T on the plus strand (C>A on the coding strand, the complement: ADCY5 is on the minus strand). VCF-style: chr3-123303222-G-T. GRCh37 (hg19) VCF-style: chr3-123022069-G-T.
Other names: c.2560-3C>A (NM_001378259.1); c.1510-3C>A (NM_001199642.1).
Identifiers: ClinVar variation 1436574 (VCV001436574.6), dbSNP rs1365818476, ClinGen allele CA545964023.
Genomic context (GRCh38, chr3:123,303,222, plus strand): 5'-CGCTGATGTTGTGCTCCTGTGCCAAGCAGCCCAGCAGGTCCCTGGAGTTGCACGTGAACT[G>T]GGGGGAGGAAGGAGGGTGATGAGGGGAGGGTAAGCTGCTGGGGGACAGGTAGAGCAGCCC-3'

ClinVar aggregate classification (germline): Uncertain significance (1 of 4 stars; one submission).

Allele frequency attached by ClinVar (database versions not stated): gnomAD exomes 0.00001.
gnomAD v4.1: 7 of 1,611,326 alleles (0.00043%); highest among the groups gnomAD compares: East Asian, 0.0045%; no homozygotes.

Submission:

Labcorp Genetics (formerly Invitae), Labcorp
Classification: Uncertain significance. Last evaluated: 2021-08-09. Review status: criteria provided, single submitter. Criteria: Invitae Variant Classification Sherloc (09022015). Collection method: clinical testing. Allele origin: germline.
Comment: In summary, the available evidence is currently insufficient to determine the role of this variant in disease. Therefore, it has been classified as a Variant of Uncertain Significance. Variants that disrupt the consensus splice site are a relatively common cause of aberrant splicing (PMID: 17576681, 9536098). Algorithms developed to predict the effect of sequence changes on RNA splicing suggest that this variant may disrupt the consensus splice site. This variant has not been reported in the literature in individuals affected with ADCY5-related conditions. This variant is not present in population databases (ExAC no frequency). This sequence change falls in intron 13 of the ADCY5 gene. It does not directly change the encoded amino acid sequence of the ADCY5 protein. It affects a nucleotide within the consensus splice site of the intron.

Literature cited by the submitters: PubMed 17576681; PubMed 9536098.